The following is an entry in ClinVar:

ClinVar aggregate classification (germline): Likely benign. Review status: criteria provided, single submitter (1 of 4 stars). 2 submissions from 2 submitters: Likely benign (1). 1 of the submissions does not count toward it. Last evaluated 2024-10-15.

Conditions:
PTCHD1-related disorder. Also called: PTCHD1-related condition.

Allele frequency attached by ClinVar (database versions not stated): gnomAD exomes 0.00002; ExAC 0.00005; gnomAD 0.00006; TOPMed 0.00007.
gnomAD v4.1: 27 of 1,209,408 alleles (0.0022%); highest among the groups gnomAD compares: Middle Eastern, 0.023%; no homozygotes.

Submissions (2):

Blueprint Genetics
Classification: Likely benign. Last evaluated: 2024-10-15. Review status: criteria provided, single submitter. Criteria: ACMG Guidelines, 2015. Collection method: clinical testing. Allele origin: germline.

PreventionGenetics, part of Exact Sciences
Classification: Likely benign for PTCHD1-related condition. Last evaluated: 2021-01-05. Review status: no assertion criteria provided. Collection method: clinical testing. Allele origin: germline. Not counted in ClinVar's aggregate classification.
Comment: This variant is classified as likely benign based on ACMG/AMP sequence variant interpretation guidelines (Richards et al. 2015 PMID: 25741868, with internal and published modifications).

NM_173495.3(PTCHD1):c.582C>T (p.Gly194=)

Gene: PTCHD1 (patched domain containing 1; plus strand). Cytogenetic location: Xp22.11.
Variant type: single nucleotide variant.
Coding change: c.582C>T on transcript NM_173495.3 (MANE Select); coding-DNA position 582, C replaced by T.
Protein change: p.Gly194=; no amino-acid change (glycine 194 retained).
Molecular consequence: synonymous variant.
Genome position (GRCh38, 1-based): chrX:23,379,821, C>T. VCF-style: chrX-23379821-C-T. GRCh37 (hg19) VCF-style: chrX-23397938-C-T.
Identifiers: ClinVar variation 3029971 (VCV003029971.3), dbSNP rs747612889, ClinGen allele CA10369049.